The following is an entry in ClinVar:

NM_024408.4(NOTCH2):c.5092A>G (p.Ile1698Val)

Gene: NOTCH2 (notch receptor 2; minus strand). Cytogenetic location: 1p12.
Variant type: single nucleotide variant.
Coding change: c.5092A>G on transcript NM_024408.4 (MANE Select); coding-DNA position 5092, A replaced by G.
Protein change: p.Ile1698Val; replaces isoleucine 1698 with valine.
Molecular consequence: missense variant.
Genome position (GRCh38, 1-based): chr1:119,922,357, T>C on the plus strand (A>G on the coding strand, the complement: NOTCH2 is on the minus strand). VCF-style: chr1-119922357-T-C. GRCh37 (hg19) VCF-style: chr1-120464980-T-C.
Other names: short protein forms I1698V.
Identifiers: ClinVar variation 4753703 (VCV004753703.1).

ClinVar aggregate classification (germline): Uncertain significance (1 of 4 stars; one submission).

Conditions:
Hajdu-Cheney syndrome (HJCYS). Also called: ACROOSTEOLYSIS WITH OSTEOPOROSIS AND CHANGES IN SKULL AND MANDIBLE; SERPENTINE FIBULA-POLYCYSTIC KIDNEY SYNDROME; Acroosteolysis dominant type. Identifiers: Orphanet 955, MedGen C0917715, MONDO:0007057, OMIM 102500.

gnomAD v4.1: 1 of 1,614,034 alleles (0.000062%); highest among the groups gnomAD compares: Non-Finnish European, 0.000085%; no homozygotes.

Submission:

Labcorp Genetics (formerly Invitae), Labcorp
Classification: Uncertain significance for Hajdu-Cheney syndrome. Last evaluated: 2025-11-01. Review status: criteria provided, single submitter. Criteria: Invitae Variant Classification Sherloc (09022015). Collection method: clinical testing. Allele origin: germline.
Comment: This sequence change replaces isoleucine, which is neutral and non-polar, with valine, which is neutral and non-polar, at codon 1698 of the NOTCH2 protein (p.Ile1698Val). The frequency data for this variant in the population databases is considered unreliable, as metrics indicate poor data quality at this position in the gnomAD database. This variant has not been reported in the literature in individuals affected with NOTCH2-related conditions. Invitae Evidence Modeling of protein sequence and biophysical properties (such as structural, functional, and spatial information, amino acid conservation, physicochemical variation, residue mobility, and thermodynamic stability) indicates that this missense variant is not expected to disrupt NOTCH2 protein function with a negative predictive value of 80%. In summary, the available evidence is currently insufficient to determine the role of this variant in disease. Therefore, it has been classified as a Variant of Uncertain Significance.